The following is an entry in ClinVar:

NM_012073.5(CCT5):c.1623dup (p.Ter542MetextTer?)

Gene: CCT5 (chaperonin containing TCP1 subunit 5; plus strand). Cytogenetic location: 5p15.2.
Variant type: Duplication.
Coding change: c.1623dup on transcript NM_012073.5 (MANE Select); coding-DNA position 1623, one base duplicated (A; older notation c.1623dupA).
Protein change: p.Ter542MetextTer?.
Molecular consequence: frameshift variant, stop lost.
Genome position (GRCh38, 1-based): chr5:10,264,780, A duplicated; the last of 2 consecutive A bases (chr5:10,264,779-10,264,780); duplicating either gives the same sequence. VCF-style (leftmost placement, unchanged base first): chr5-10264778-G-GA. GRCh37 (hg19) VCF-style: chr5-10264890-G-GA.
Other names: c.1560dup, p.Ter521MetextTer? (NM_001306153.1); c.1458dup, p.Ter487MetextTer? (NM_001306154.2); c.1344dup, p.Ter449MetextTer? (NM_001306155.2); c.1509dup, p.Ter504MetextTer? (NM_001306156.2).
Identifiers: ClinVar variation 2024345 (VCV002024345.4), dbSNP rs2477481932, ClinGen allele CA2580071971.

ClinVar aggregate classification (germline): Uncertain significance (1 of 4 stars; one submission).

Conditions:
Hereditary sensory and autonomic neuropathy with spastic paraplegia (HSNSP). Identifiers: Orphanet 139578, MedGen C1850395, MONDO:0009748, OMIM 256840.

Submission:

Labcorp Genetics (formerly Invitae), Labcorp
Classification: Uncertain significance for Hereditary sensory and autonomic neuropathy with spastic paraplegia. Last evaluated: 2022-08-16. Review status: criteria provided, single submitter. Criteria: Invitae Variant Classification Sherloc (09022015). Collection method: clinical testing. Allele origin: germline.
Comment: This variant has not been reported in the literature in individuals affected with CCT5-related conditions. This sequence change disrupts the translational stop signal of the CCT5 mRNA. It is expected to extend the length of the CCT5 protein by 15 additional amino acid residues. This variant is not present in population databases (gnomAD no frequency). Experimental studies and prediction algorithms are not available or were not evaluated, and the functional significance of this variant is currently unknown. In summary, the available evidence is currently insufficient to determine the role of this variant in disease. Therefore, it has been classified as a Variant of Uncertain Significance.